The following is an entry in ClinVar:

ClinVar aggregate classification (germline): Uncertain significance (1 of 4 stars; one submission).

Conditions:
RASopathy. Also called: Noonan spectrum disorder; rasopathies. Identifiers: Orphanet 536391, MedGen C5555857, MONDO:0021060.

Submission:

Labcorp Genetics (formerly Invitae), Labcorp
Classification: Uncertain significance for RASopathy. Last evaluated: 2024-02-16. Review status: criteria provided, single submitter. Criteria: Invitae Variant Classification Sherloc (09022015). Collection method: clinical testing. Allele origin: germline.
Comment: This sequence change falls in intron 13 of the RAF1 gene. It does not directly change the encoded amino acid sequence of the RAF1 protein. This variant is not present in population databases (gnomAD no frequency). This variant has not been reported in the literature in individuals affected with RAF1-related conditions. Experimental studies and prediction algorithms are not available or were not evaluated, and the effect of this variant on mRNA splicing is currently unknown. In summary, the available evidence is currently insufficient to determine the role of this variant in disease. Therefore, it has been classified as a Variant of Uncertain Significance.

NM_002880.4(RAF1):c.1418-15_1418-14insCTCTGGTATAGGGCAAAAGGAATGCCTTGGAGATTTATGTGCAAACTTAAAGCGTTTCTGTA

Gene: RAF1 (Raf-1 proto-oncogene, serine/threonine kinase; minus strand). Cytogenetic location: 3p25.2.
Variant type: Insertion.
Coding change: c.1418-15_1418-14insCTCTGGTATAGGGCAAAAGGAATGCCTTGGAGATTTATGTGCAAACTTAAAGCGTTTCTGTA on transcript NM_002880.4 (MANE Select); 15 bases into the intron before coding-DNA position 1418 through 14 bases into the intron before coding-DNA position 1418, CTCTGGTATAGGGCAAAAGGAATGCCTTGGAGATTTATGTGCAAACTTAAAGCGTTTCTGTA inserted.
Molecular consequence: intron variant.
Genome position: GRCh38: chr3:12,585,813-12,585,814. GRCh37 (hg19): chr3:12,627,312-12,627,313.
Other names: c.1076-15_1076-14insCTCTGGTATAGGGCAAAAGGAATGCCTTGGAGATTTATGTGCAAACTTAAAGCGTTTCTGTA (NM_001354695.3); c.1175-15_1175-14insCTCTGGTATAGGGCAAAAGGAATGCCTTGGAGATTTATGTGCAAACTTAAAGCGTTTCTGTA (NM_001354692.3, NM_001354691.3); c.1235-15_1235-14insCTCTGGTATAGGGCAAAAGGAATGCCTTGGAGATTTATGTGCAAACTTAAAGCGTTTCTGTA (NM_001354694.3); c.1319-15_1319-14insCTCTGGTATAGGGCAAAAGGAATGCCTTGGAGATTTATGTGCAAACTTAAAGCGTTTCTGTA (NM_001354693.3); c.1478-15_1478-14insCTCTGGTATAGGGCAAAAGGAATGCCTTGGAGATTTATGTGCAAACTTAAAGCGTTTCTGTA (NM_001354689.3); c.1418-15_1418-14insCTCTGGTATAGGGCAAAAGGAATGCCTTGGAGATTTATGTGCAAACTTAAAGCGTTTCTGTA (NM_001354690.3).
Identifiers: ClinVar variation 3703099 (VCV003703099.2).